The following is an entry in ClinVar:

NM_005228.5(EGFR):c.1105C>T (p.Leu369Phe)

Genes: EGFR (epidermal growth factor receptor; plus strand), LOC126860048 (P300/CBP strongly-dependent group 1 enhancer GRCh37_chr7:55223847-55225046; plus strand). Cytogenetic location: 7p11.2.
Variant type: single nucleotide variant.
Coding change: c.1105C>T on transcript NM_005228.5 (MANE Select); coding-DNA position 1105, C replaced by T.
Protein change: p.Leu369Phe; replaces leucine 369 with phenylalanine.
Molecular consequence: missense variant.
Genome position (GRCh38, 1-based): chr7:55,156,631, C>T. VCF-style: chr7-55156631-C-T. GRCh37 (hg19) VCF-style: chr7-55224324-C-T.
Other names: c.970C>T, p.Leu324Phe (NM_001346897.2, NM_001346899.2); c.1105C>T, p.Leu369Phe (NM_001346898.2, NM_201282.2, NM_201283.2 and 1 more transcripts); c.946C>T, p.Leu316Phe (NM_001346900.2); c.304C>T, p.Leu102Phe (NM_001346941.2); short protein forms L102F, L316F, L369F, L324F.
Identifiers: ClinVar variation 3843780 (VCV003843780.1).
Genomic context (GRCh38, chr7:55,156,631, plus strand): 5'-CTCTCCATAAATGCTACGAATATTAAACACTTCAAAAACTGCACCTCCATCAGTGGCGAT[C>T]TCCACATCCTGCCGGTGGCATTTAGGGGGTGAGTCACAGGTTCAGTTGCTTGTATAAAGA-3'
Protein context (NP_005219.2, residues 359-379): FKNCTSISGD[Leu369Phe]HILPVAFRGD

ClinVar aggregate classification (germline): Uncertain significance (1 of 4 stars; one submission).

Conditions:
Hereditary cancer-predisposing syndrome. Also called: Hereditary neoplastic syndrome; Neoplastic Syndromes, Hereditary; Tumor predisposition; Hereditary Cancer Syndrome. Identifiers: Orphanet 140162, MedGen C0027672, MeSH D009386, MONDO:0015356.

Submission:

Ambry Genetics
Classification: Uncertain significance for Hereditary cancer-predisposing syndrome. Last evaluated: 2024-12-22. Review status: criteria provided, single submitter. Criteria: Ambry Variant Classification Scheme 2023. Collection method: clinical testing. Allele origin: germline.
Comment: The p.L369F variant (also known as c.1105C>T), located in coding exon 9 of the EGFR gene, results from a C to T substitution at nucleotide position 1105. The leucine at codon 369 is replaced by phenylalanine, an amino acid with highly similar properties. This amino acid position is conserved. In addition, the in silico prediction for this alteration is inconclusive. Based on the available evidence, the clinical significance of this variant remains unclear.